The following is an entry in ClinVar:

NM_000271.5(NPC1):c.2514+1G>A

Gene: NPC1 (NPC intracellular cholesterol transporter 1; minus strand). Cytogenetic location: 18q11.2.
Variant type: single nucleotide variant.
Coding change: c.2514+1G>A on transcript NM_000271.5 (MANE Select); the canonical splice donor site of the intron after coding-DNA position 2514, G replaced by A.
Molecular consequence: splice donor variant.
Genome position (GRCh38, 1-based): chr18:23,541,067, C>T on the plus strand (G>A on the coding strand, the complement: NPC1 is on the minus strand). VCF-style: chr18-23541067-C-T. GRCh37 (hg19) VCF-style: chr18-21121031-C-T.
Identifiers: ClinVar variation 2773286 (VCV002773286.3), dbSNP rs757477471, ClinGen allele CA401793263.

ClinVar aggregate classification (germline): Likely pathogenic (1 of 4 stars; one submission).

Conditions:
Niemann-Pick disease, type C1. Also called: NEUROVISCERAL STORAGE DISEASE WITH VERTICAL SUPRANUCLEAR OPHTHALMOPLEGIA; NIEMANN-PICK DISEASE WITH CHOLESTEROL ESTERIFICATION BLOCK; NIEMANN-PICK DISEASE WITHOUT SPHINGOMYELINASE DEFICIENCY; NIEMANN-PICK DISEASE, CHRONIC NEURONOPATHIC FORM; NIEMANN-PICK DISEASE, VARIANT TYPE C1. Identifiers: Orphanet 646, MedGen C3179455, MONDO:0009757, OMIM 257220.

Submission:

Labcorp Genetics (formerly Invitae), Labcorp
Classification: Likely pathogenic for Niemann-Pick disease, type C1. Last evaluated: 2023-11-17. Review status: criteria provided, single submitter. Criteria: Invitae Variant Classification Sherloc (09022015). Collection method: clinical testing. Allele origin: germline.
Comment: This sequence change affects a donor splice site in intron 16 of the NPC1 gene. It is expected to disrupt RNA splicing. Variants that disrupt the donor or acceptor splice site typically lead to a loss of protein function (PMID: 16199547), and loss-of-function variants in NPC1 are known to be pathogenic (PMID: 9211850). This variant is not present in population databases (gnomAD no frequency). This variant has not been reported in the literature in individuals affected with NPC1-related conditions. Algorithms developed to predict the effect of sequence changes on RNA splicing suggest that this variant may disrupt the consensus splice site. In summary, the currently available evidence indicates that the variant is pathogenic, but additional data are needed to prove that conclusively. Therefore, this variant has been classified as Likely Pathogenic.

Literature cited by the submitters: PubMed 16199547; PubMed 9211850.